The following is an entry in ClinVar:

NM_058172.6(ANTXR2):c.1074del (p.Ala359fs)

Gene: ANTXR2 (ANTXR cell adhesion molecule 2; minus strand). Cytogenetic location: 4q21.21.
Variant type: Deletion.
Coding change: c.1074del on transcript NM_058172.6 (MANE Select); coding-DNA position 1074, one base deleted (T; older notation c.1074delT).
Protein change: p.Ala359fs; shifts the reading frame from alanine 359.
Molecular consequence: frameshift variant.
Genome position (GRCh38, 1-based): chr4:79,984,831, A deleted on the plus strand (T on the coding strand, the reverse complement: ANTXR2 is on the minus strand). VCF-style (leftmost placement, unchanged base first): chr4-79984830-CA-C. GRCh37 (hg19) VCF-style: chr4-80905984-CA-C.
Other names: c.1074delT (NM_058172.6); c.1074del, p.Ala359fs (NM_001145794.2); c.843del, p.Ala282fs (NM_001286780.2, NM_001286781.2); short protein forms A282fs, A359fs.
Identifiers: ClinVar variation 419342 (VCV000419342.18), dbSNP rs312262693, ClinGen allele CA2981725.
Genomic context (GRCh38, chr4:79,984,830, plus strand): 5'-CATTTGGAAAAAAAAAACAGCCATATCAGTTTTTTAGGCACTCACTTACCTCTTTTGGTG[CA>C]GGGGCGGGTGGTGGTGGAGGATCCTTAATAACCTGTCAAAAAAAATCAAATATAAAAATT-3'

ClinVar aggregate classification (germline): Pathogenic. Review status: criteria provided, multiple submitters, no conflicts (2 of 4 stars). 12 submissions from 12 submitters: Pathogenic (11). 1 of the submissions does not count toward it. Last evaluated 2025-12-01.

Conditions:
ANTXR2-related disorder. Also called: ANTXR2-related condition.
Hyaline fibromatosis syndrome (HFS). Also called: HYALINOSIS, SYSTEMIC; Hyalinosis, Inherited Systemic. Identifiers: Orphanet 2028, Orphanet 498474, MedGen C5574677, MONDO:0009229, OMIM 228600.

Allele frequency attached by ClinVar (database versions not stated): ExAC 0.00002; gnomAD 0.00003 and 0.00004; gnomAD exomes 0.00004.

Submissions (12):

Dasa
Classification: Pathogenic. Last evaluated: 2025-12-01. Review status: criteria provided, single submitter. Criteria: DASA Assertion Criteria. Collection method: clinical testing. Allele origin: germline.
Comment: NM_058172.6(ANTXR2):c.1074del (p.Ala359HisfsTer50) introduces a premature termination codon predicted to result in loss of normal protein function. Loss-of-function is an established mechanism of disease for this gene. This variant has been recurrently observed in affected individuals with related phenotype in a genotype context consistent with recessive disease (PMID: 38814306; PMID: 14508707; PMID: 21328543). The variant is present at low frequency in population datasets. Based on the available data, this variant is classified as pathogenic.

Blueprint Genetics
Classification: Pathogenic for ANTXR2-related disorders. Last evaluated: 2024-10-29. Review status: criteria provided, single submitter. Criteria: ACMG Guidelines, 2015. Collection method: clinical testing. Allele origin: germline. Affected: yes. Observed: 5 variant alleles.

3billion
Classification: Pathogenic for Hyaline fibromatosis syndrome. Last evaluated: 2024-09-04. Review status: criteria provided, single submitter. Criteria: ACMG Guidelines, 2015. Collection method: clinical testing. Allele origin: germline. Affected: yes.
Comment: The variant is observed at an extremely low frequency in the gnomAD v4.0.0 dataset (total allele frequency: 0.004%). Predicted Consequence/Location: Frameshift: predicted to result in a loss or disruption of normal protein function through nonsense-mediated decay (NMD) or protein truncation. Multiple pathogenic variants are reported downstream of the variant. The variant has been reported at least twice as pathogenic with clinical assertions and evidence for the classification (ClinVar ID: VCV000419342 /PMID: 14508707 /3billion dataset). Therefore, this variant is classified as Pathogenic according to the recommendation of ACMG/AMP guideline.

Fulgent Genetics
Classification: Pathogenic for Hyaline fibromatosis syndrome. Last evaluated: 2024-04-08. Review status: criteria provided, single submitter. Criteria: ACMG Guidelines, 2015. Collection method: clinical testing. Allele origin: germline.

Genomic Medicine Center of Excellence, King Faisal Specialist Hospital and Research Centre
Classification: Pathogenic for Hyaline fibromatosis syndrome. Last evaluated: 2024-03-25. Review status: criteria provided, single submitter. Criteria: ACMG Guidelines, 2015. Collection method: research. Allele origin: germline.

Laboratorio de Genetica e Diagnostico Molecular, Hospital Israelita Albert Einstein
Classification: Pathogenic for Hyaline fibromatosis syndrome. Last evaluated: 2023-12-07. Review status: criteria provided, single submitter. Criteria: ACMG Guidelines, 2015. Collection method: clinical testing. Allele origin: germline. Affected: yes. Observed: 1 variant allele.
Comment: ACMG classification criteria: PVS1 very strong, PS3 supporting, PM2 moderated, PM3 very strong

Baylor Genetics
Classification: Pathogenic for Hyaline fibromatosis syndrome. Last evaluated: 2019-11-14. Review status: criteria provided, single submitter. Criteria: ACMG Guidelines, 2015. Collection method: clinical testing. Allele origin: unknown. Affected: yes.
Comment: This variant was determined to be pathogenic according to ACMG Guidelines, 2015 [PMID:25741868].

Rady Children's Institute for Genomic Medicine, Rady Children's Hospital San Diego
Classification: Pathogenic for HYALINE FIBROMATOSIS SYNDROME. Last evaluated: 2019-05-28. Review status: criteria provided, single submitter. Criteria: ACMG Guidelines, 2015. Collection method: clinical testing. Allele origin: germline. Affected: yes.
Comment: This frameshifting variant in exon 13 of 16 introduces a premature stop codon and is therefore predicted to result in loss of normal protein function. This variant has been previously reported as a compound heterozygous and as a homozygous change in patients with hyaline fibromatosis syndrome (PMID: 14508707, 21328543). It is found within a hotspot on exon 13 which contains several recurrent frameshift variants that together account for approximately 60% of all pathogenic alleles in ANTXR2 (PMID: 23554269). Functional studies using patient fibroblasts and HeLa cells demonstrated that this variant leads to very low levels of mRNA expression and proteasome-mediated degradation of the mistranslated protein (PMID: 23554269). It is present in the heterozygous state in the gnomAD population database at a frequency of .004% (11/270038) and thus is presumed to be rare. Based on the available evidence, the p.Ala359HisfsTer50 variant is classified as Pathogenic.

GeneDx
Classification: Pathogenic. Last evaluated: 2018-02-15. Review status: criteria provided, single submitter. Criteria: GeneDx Variant Classification (06012015). Collection method: clinical testing. Allele origin: germline. Affected: yes.
Comment: The c.1074delT deletion in the ANTXR2 gene is one of three frameshift variants in the exon 13 hotspotthat accounts for approximately 60% of all pathogenic alleles (Yan et al., 2013). The c.1074delT variant,denoted as c.1602delT due to alternative nomenclature, was reported in the homozygous state in twosiblings in a consanguineous Kuwaiti family with features consistent with infantile systemic hyalinosis(Hanks et al., 2003). Functional studies indicate the c.1074delT deletion leads to abnormalities in the mRNA and proteinfolding, resulting in degradation (Yan et al., 2013). The c.1074delT variant causes a frameshift startingwith codon Alanine 359, changes this amino acid to a Histidine residue, and creates a premature Stopcodon at position 50 of the new reading frame, denoted p.Ala359HisfsX50. This variant is predicted tocause loss of normal protein function either through protein truncation or nonsense-mediated mRNAdecay. The c.1074delT deletion was not observed in approximately 5,900 individuals of European andAfrican American ancestry in the NHLBI Exome Sequencing Project, indicating it is not a common benignvariant in these populations. We interpret c.1074delT as a pathogenic variant.

Juno Genomics, Hangzhou Juno Genomics, Inc
Classification: Pathogenic for Hyaline fibromatosis syndrome. Review status: criteria provided, single submitter. Criteria: ACMG Guidelines, 2015. Collection method: clinical testing. Allele origin: germline.
Comment: Absent from controls (or at extremely low frequency if recessive) in Genome Aggregation Database.;Null variant in a gene where loss of function (LOF) is a known mechanism of disease.;For recessive disorders, detected in trans with a pathogenic variant.

Pathology and Clinical Laboratory Medicine, King Fahad Medical City
Classification: Pathogenic for Hyaline fibromatosis syndrome. Review status: criteria provided, single submitter. Criteria: ACMG Guidelines, 2015. Collection method: clinical testing. Allele origin: germline. Affected: yes. Observed: 5 variant alleles.

OMIM
Classification: Pathogenic for HYALINE FIBROMATOSIS SYNDROME. Last evaluated: 2012-04-01. Review status: no assertion criteria provided. Collection method: literature only. Allele origin: germline. Not counted in ClinVar's aggregate classification.

Literature cited by the submitters: PubMed 38814306 (cited by Dasa); PubMed 14508707 (cited by Dasa and 3billion); PubMed 21328543 (cited by Dasa); PubMed 22383261 (cited by OMIM); PubMed 20331448 (cited by OMIM).